The following is an entry in ClinVar:

ClinVar aggregate classification (germline): Uncertain significance (1 of 4 stars; one submission).

Conditions:
Primary familial hypertrophic cardiomyopathy (HCM). Identifiers: Orphanet 99739, MedGen C0949658, MeSH D024741, MONDO:0024573. Inheritance: Various modes of inheritance.

Submission:

Labcorp Genetics (formerly Invitae), Labcorp
Classification: Uncertain significance for Primary familial hypertrophic cardiomyopathy. Last evaluated: 2025-07-29. Review status: criteria provided, single submitter. Criteria: Invitae Variant Classification Sherloc (09022015). Collection method: clinical testing. Allele origin: germline.
Comment: This sequence change creates a premature translational stop signal (p.Leu409Profs*15) in the ILK gene. While this is not anticipated to result in nonsense mediated decay, it is expected to disrupt the last 44 amino acid(s) of the ILK protein. This variant is present in population databases (rs763645297, gnomAD 0.002%). This variant has not been reported in the literature in individuals affected with ILK-related conditions. ClinVar contains an entry for this variant (Variation ID: 3687609). In summary, the available evidence is currently insufficient to determine the role of this variant in disease. Therefore, it has been classified as a Variant of Uncertain Significance.

NM_004517.4(ILK):c.1225dup (p.Leu409fs)

Genes: TAF10 (TATA-box binding protein associated factor 10; minus strand), ILK (integrin linked kinase; plus strand). Cytogenetic location: 11p15.4.
Variant type: Duplication.
Coding change: c.1225dup on transcript NM_004517.4 (MANE Select); coding-DNA position 1225, one base duplicated (C; older notation c.1225dupC).
Protein change: p.Leu409fs; shifts the reading frame from leucine 409.
Molecular consequence: frameshift variant. On other transcripts: 3 prime UTR variant (1).
Genome position (GRCh38, 1-based): chr11:6,610,477, C duplicated; the last of 2 consecutive C bases (chr11:6,610,476-6,610,477); duplicating either gives the same sequence. VCF-style (leftmost placement, unchanged base first): chr11-6610475-G-GC. GRCh37 (hg19) VCF-style: chr11-6631706-G-GC.
Other names: c.1225dup, p.Leu409fs (NM_001014794.3, NM_001014795.3); c.1042dup, p.Leu348fs (NM_001278441.2); c.823dup, p.Leu275fs (NM_001278442.2); c.*446dup (NM_006284.4); short protein forms L348fs, L409fs, L275fs.
Identifiers: ClinVar variation 3687609 (VCV003687609.2).